The following is an entry in ClinVar:

ClinVar aggregate classification (germline): Uncertain significance (1 of 4 stars; one submission).

gnomAD v4.1: 1 of 1,614,068 alleles (0.000062%); highest among the groups gnomAD compares: Non-Finnish European, 0.000085%; no homozygotes.

Submission:

Labcorp Genetics (formerly Invitae), Labcorp
Classification: Uncertain significance. Last evaluated: 2025-12-11. Review status: criteria provided, single submitter. Criteria: Invitae Variant Classification Sherloc (09022015). Collection method: clinical testing. Allele origin: germline.
Comment: This sequence change replaces serine, which is neutral and polar, with glycine, which is neutral and non-polar, at codon 781 of the ALPK1 protein (p.Ser781Gly). This variant is not present in population databases (gnomAD no frequency). This variant has not been reported in the literature in individuals affected with ALPK1-related conditions. Invitae Evidence Modeling of protein sequence and biophysical properties (such as structural, functional, and spatial information, amino acid conservation, physicochemical variation, residue mobility, and thermodynamic stability) indicates that this missense variant is not expected to disrupt ALPK1 protein function with a negative predictive value of 80%. In summary, the available evidence is currently insufficient to determine the role of this variant in disease. Therefore, it has been classified as a Variant of Uncertain Significance.

NM_025144.4(ALPK1):c.2341A>G (p.Ser781Gly)

Gene: ALPK1 (alpha kinase 1; plus strand). Cytogenetic location: 4q25.
Variant type: single nucleotide variant.
Coding change: c.2341A>G on transcript NM_025144.4 (MANE Select); coding-DNA position 2341, A replaced by G.
Protein change: p.Ser781Gly; replaces serine 781 with glycine.
Molecular consequence: missense variant.
Genome position (GRCh38, 1-based): chr4:112,431,888, A>G. VCF-style: chr4-112431888-A-G. GRCh37 (hg19) VCF-style: chr4-113353044-A-G.
Other names: c.2341A>G, p.Ser781Gly (NM_001102406.2); c.2107A>G, p.Ser703Gly (NM_001253884.2); short protein forms S781G, S703G.
Identifiers: ClinVar variation 4742207 (VCV004742207.1).